The following is an entry in ClinVar:

ClinVar aggregate classification (germline): Uncertain significance (1 of 4 stars; one submission).

Conditions:
Gastrointestinal stromal tumor. Also called: Gastrointestinal stromal tumor, somatic; Gastrointestinal stroma tumor. Identifiers: Orphanet 44890, MedGen C0238198, MeSH D046152, MONDO:0011719, OMIM 606764, HP:0100723.

Submission:

Labcorp Genetics (formerly Invitae), Labcorp
Classification: Uncertain significance for Gastrointestinal stromal tumor. Last evaluated: 2024-06-23. Review status: criteria provided, single submitter. Criteria: Invitae Variant Classification Sherloc (09022015). Collection method: clinical testing. Allele origin: germline.
Comment: This sequence change results in a frameshift in the KIT gene (p.Lys948Alafs*100). While this is not anticipated to result in nonsense mediated decay, it is expected to disrupt the last 29 amino acid(s) of the KIT protein and extend the protein by 70 additional amino acid residues. This variant is not present in population databases (gnomAD no frequency). This frameshift has been observed in individual(s) with clinical features of piebaldism (Invitae). It has also been observed to segregate with disease in related individuals. Algorithms developed to predict the effect of sequence changes on RNA splicing suggest that this variant may disrupt the consensus splice site. In summary, the available evidence is currently insufficient to determine the role of this variant in disease. Therefore, it has been classified as a Variant of Uncertain Significance.

NM_000222.3(KIT):c.2841_2842del (p.Lys948fs)

Gene: KIT (KIT proto-oncogene, receptor tyrosine kinase; plus strand). Cytogenetic location: 4q12.
Variant type: Deletion.
Coding change: c.2841_2842del on transcript NM_000222.3 (MANE Select); coding-DNA positions 2841 to 2842, 2 bases deleted (GA; older notation c.2841_2842delGA).
Protein change: p.Lys948fs; shifts the reading frame from lysine 948.
Molecular consequence: frameshift variant.
Genome position (GRCh38, 1-based): chr4:54,738,467-54,738,468, GA deleted; deleting any 2 consecutive bases within chr4:54,738,466-54,738,468 gives the same sequence; the c. name uses the placement nearest the transcript's 3' end. VCF-style (leftmost placement, unchanged base first): chr4-54738465-CAG-C. GRCh37 (hg19) VCF-style: chr4-55604631-CAG-C.
Other names: c.2832_2833del, p.Lys945fs (NM_001385288.1); c.2841_2842del, p.Lys948fs (NM_001385290.1); c.2829_2830del, p.Lys944fs (NM_001385292.1, NM_001093772.2); c.2844_2845del, p.Lys949fs (NM_001385284.1); c.2838_2839del, p.Lys947fs (NM_001385285.1); c.2826_2827del, p.Lys943fs (NM_001385286.1); short protein forms K945fs, K943fs, K949fs, K944fs, K948fs, K947fs.
Identifiers: ClinVar variation 2706720 (VCV002706720.3), dbSNP rs2475589441, ClinGen allele CA2697546739.